The following is an entry in ClinVar:

NM_000212.3(ITGB3):c.1959C>T (p.Asp653=)

Gene: ITGB3 (integrin subunit beta 3; plus strand). Cytogenetic location: 17q21.32.
Variant type: single nucleotide variant.
Coding change: c.1959C>T on transcript NM_000212.3 (MANE Select); coding-DNA position 1959, C replaced by T.
Protein change: p.Asp653=; no amino-acid change (aspartic acid 653 retained).
Molecular consequence: synonymous variant.
Genome position (GRCh38, 1-based): chr17:47,300,523, C>T. VCF-style: chr17-47300523-C-T. GRCh37 (hg19) VCF-style: chr17-45377889-C-T.
Identifiers: ClinVar variation 695917 (VCV000695917.15), dbSNP rs112717328, ClinGen allele CA8623405.
Genomic context (GRCh38, chr17:47,300,523, plus strand): 5'-TCCTCTCTCCTTCAGAGAATGTGTGGAGTGTAAGAAGTTTGACCGGGGAGCCCTACATGA[C>T]GAAAATACCTGCAACCGTTACTGCCGTGACGAGATTGAGTCAGTGAAAGAGCTTAGTAAG-3'
Protein context (NP_000203.2, residues 643-663): CKKFDRGALH[Asp653=]ENTCNRYCRD

ClinVar aggregate classification (germline): Benign/Likely benign. Review status: criteria provided, multiple submitters, no conflicts (2 of 4 stars). 5 submissions from 5 submitters: Benign (1); Likely benign (3). 1 of the submissions does not count toward it. Last evaluated 2026-01-25.

Conditions:
ITGB3-related disorder. Also called: ITGB3-related condition.

Allele frequency attached by ClinVar (database versions not stated): gnomAD exomes 0.00016 and 0.00030; ExAC 0.00031; 1000 Genomes Project 0.00060; 1000 Genomes Project 30x 0.00078; gnomAD 0.00122 and 0.00131; TOPMed 0.00141; ESP Exome Variant Server 0.00169.
gnomAD v4.1: 482 of 1,614,062 alleles (0.03%); highest among the groups gnomAD compares: African/African-American, 0.44%; 6 homozygotes.

Submissions (5):

Labcorp Genetics (formerly Invitae), Labcorp
Classification: Benign. Last evaluated: 2026-01-25. Review status: criteria provided, single submitter. Criteria: Invitae Variant Classification Sherloc (09022015). Collection method: clinical testing. Allele origin: germline.

Women's Health and Genetics/Laboratory Corporation of America, LabCorp
Classification: Likely benign. Last evaluated: 2025-09-15. Review status: criteria provided, single submitter. Criteria: LabCorp Variant Classification Summary - May 2015. Collection method: clinical testing. Allele origin: germline.

Blueprint Genetics
Classification: Likely benign. Last evaluated: 2024-11-05. Review status: criteria provided, single submitter. Criteria: ACMG Guidelines, 2015. Collection method: clinical testing. Allele origin: germline.

Genetic Services Laboratory, University of Chicago
Classification: Likely benign. Last evaluated: 2020-12-02. Review status: criteria provided, single submitter. Criteria: ACMG Guidelines, 2015. Collection method: clinical testing. Allele origin: germline. Affected: no.

PreventionGenetics, part of Exact Sciences
Classification: Likely benign for ITGB3-related condition. Last evaluated: 2020-01-07. Review status: no assertion criteria provided. Collection method: clinical testing. Allele origin: germline. Not counted in ClinVar's aggregate classification.
Comment: This variant is classified as likely benign based on ACMG/AMP sequence variant interpretation guidelines (Richards et al. 2015 PMID: 25741868, with internal and published modifications).